The following is an entry in ClinVar:

NM_001042432.2(CLN3):c.250C>A (p.His84Asn)

Gene: CLN3 (CLN3 lysosomal/endosomal transmembrane protein, battenin; minus strand). Cytogenetic location: 16p12.1.
Variant type: single nucleotide variant.
Coding change: c.250C>A on transcript NM_001042432.2 (MANE Select); coding-DNA position 250, C replaced by A.
Protein change: p.His84Asn; replaces histidine 84 with asparagine.
Molecular consequence: missense variant. On other transcripts: synonymous variant (1), intron variant (2).
Genome position (GRCh38, 1-based): chr16:28,488,635, G>T on the plus strand (C>A on the coding strand, the complement: CLN3 is on the minus strand). VCF-style: chr16-28488635-G-T. GRCh37 (hg19) VCF-style: chr16-28499956-G-T.
Other names: c.250C>A, p.His84Asn (NM_000086.2); c.30C>A, p.Pro10= (NM_001286105.2); c.88C>A, p.His30Asn (NM_001286110.2); c.60+655C>A (NM_001286109.2); c.222+655C>A (NM_001286104.2); short protein forms H84N, H30N.
Identifiers: ClinVar variation 197711 (VCV000197711.16), dbSNP rs201329358, ClinGen allele CA246004.

ClinVar aggregate classification (germline): Uncertain significance. Review status: criteria provided, multiple submitters, no conflicts (2 of 4 stars). 7 submissions from 7 submitters: Uncertain significance (7). Last evaluated 2026-06-11.

Conditions:
CLN3-related disorder. Also called: CLN3-related condition. Identifiers: MedGen CN382248.
Inborn genetic diseases. Identifiers: MedGen C0950123, MeSH D030342.
Neuronal ceroid lipofuscinosis. Also called: Neuronal Ceroid Lipofuscinoses. Identifiers: Orphanet 216, Orphanet 79263, MedGen C0027877, MONDO:0016295. Disease mechanism: loss of function.
Neuronal ceroid lipofuscinosis 3 (CLN3). Identifiers: Orphanet 228346, MedGen C0751383, MONDO:0008767, OMIM 204200.

Allele frequency attached by ClinVar (database versions not stated): ExAC 0.00004; gnomAD exomes 0.00004; TOPMed 0.00006; gnomAD 0.00007 and 0.00008; 1000 Genomes Project 0.00060; 1000 Genomes Project 30x 0.00062.
gnomAD v4.1: 29 of 1,614,186 alleles (0.0018%); highest among the groups gnomAD compares: African/African-American, 0.036%; no homozygotes.

Submissions (7):

PreventionGenetics, part of Exact Sciences
Classification: Uncertain significance for CLN3-related condition. Last evaluated: 2026-06-11. Review status: criteria provided, single submitter. Criteria: ACMG Guidelines, 2015. Collection method: clinical testing. Allele origin: germline.
Comment: The CLN3 c.250C>A variant is predicted to result in the amino acid substitution p.His84Asn. To our knowledge, this variant has not been reported in the literature. This variant is reported in 0.044% of alleles in individuals of African descent in gnomAD. At this time, the clinical significance of this variant is uncertain due to the absence of conclusive functional and genetic evidence.

Labcorp Genetics (formerly Invitae), Labcorp
Classification: Uncertain significance for Neuronal ceroid lipofuscinosis. Last evaluated: 2024-06-24. Review status: criteria provided, single submitter. Criteria: Invitae Variant Classification Sherloc (09022015). Collection method: clinical testing. Allele origin: germline.
Comment: This sequence change replaces histidine, which is basic and polar, with asparagine, which is neutral and polar, at codon 84 of the CLN3 protein (p.His84Asn). This variant is present in population databases (rs201329358, gnomAD 0.05%). This variant has not been reported in the literature in individuals affected with CLN3-related conditions. ClinVar contains an entry for this variant (Variation ID: 197711). An algorithm developed to predict the effect of missense changes on protein structure and function (PolyPhen-2) suggests that this variant¬†is likely to be tolerated. In summary, the available evidence is currently insufficient to determine the role of this variant in disease. Therefore, it has been classified as a Variant of Uncertain Significance.

Ambry Genetics
Classification: Uncertain significance for Inborn genetic diseases. Last evaluated: 2022-11-30. Review status: criteria provided, single submitter. Criteria: Ambry Variant Classification Scheme 2023. Collection method: clinical testing. Allele origin: germline.

Blueprint Genetics
Classification: Uncertain significance. Last evaluated: 2022-09-08. Review status: criteria provided, single submitter. Criteria: ACMG Guidelines, 2015. Collection method: clinical testing. Allele origin: germline.

Genome-Nilou Lab
Classification: Uncertain significance for Neuronal ceroid lipofuscinosis 3. Last evaluated: 2021-09-05. Review status: criteria provided, single submitter. Criteria: ACMG Guidelines, 2015. Collection method: clinical testing. Allele origin: germline. Affected: no.

GeneDx
Classification: Uncertain significance. Last evaluated: 2019-07-05. Review status: criteria provided, single submitter. Criteria: GeneDx Variant Classification Process June 2021. Collection method: clinical testing. Allele origin: germline. Affected: yes.
Comment: In silico analysis, which includes protein predictors and evolutionary conservation, supports that this variant does not alter protein structure/function; Has not been previously published as pathogenic or benign to our knowledge

Eurofins Ntd Llc (ga)
Classification: Uncertain significance. Last evaluated: 2015-02-19. Review status: criteria provided, single submitter. Criteria: EGL Classification Definitions 2015. Collection method: clinical testing. Allele origin: germline. Observed: 1 variant allele, 1 heterozygote.